The following is an entry in ClinVar:

NM_000429.3(MAT1A):c.169+14G>A

Gene: MAT1A (methionine adenosyltransferase 1A; minus strand). Cytogenetic location: 10q22.3.
Variant type: single nucleotide variant.
Coding change: c.169+14G>A on transcript NM_000429.3 (MANE Select); 14 bases into the intron after coding-DNA position 169, G replaced by A.
Molecular consequence: intron variant.
Genome position (GRCh38, 1-based): chr10:80,285,498, C>T on the plus strand (G>A on the coding strand, the complement: MAT1A is on the minus strand). VCF-style: chr10-80285498-C-T. GRCh37 (hg19) VCF-style: chr10-82045254-C-T.
Identifiers: ClinVar variation 878724 (VCV000878724.22), dbSNP rs117321518, ClinGen allele CA5576878.

ClinVar aggregate classification (germline): Benign. Review status: criteria provided, multiple submitters, no conflicts (2 of 4 stars). 4 submissions from 4 submitters: Benign (4). Last evaluated 2026-02-01.

Conditions:
Hepatic methionine adenosyltransferase deficiency. Also called: MAT I/III DEFICIENCY; Methionine adenosyltransferase deficiency; Deficiency of methionine adenosyltransferase; Isolated Persistent Hypermethioninemia. Identifiers: Orphanet 168598, MedGen C0268621, MeSH C564683, MONDO:0009607, OMIM 250850.

Allele frequency attached by ClinVar (database versions not stated): 1000 Genomes Project 30x 0.00625; 1000 Genomes Project 0.00679; TOPMed 0.00788; gnomAD 0.00826 and 0.00829; ESP Exome Variant Server 0.00830; ExAC 0.00839.
gnomAD v4.1: 15,254 of 1,611,592 alleles (0.95%); highest among the groups gnomAD compares: Middle Eastern, 3.5%; 116 homozygotes.

Submissions (4):

Labcorp Genetics (formerly Invitae), Labcorp
Classification: Benign for Hepatic methionine adenosyltransferase deficiency. Last evaluated: 2026-02-01. Review status: criteria provided, single submitter. Criteria: Invitae Variant Classification Sherloc (09022015). Collection method: clinical testing. Allele origin: germline.

ARUP Laboratories, Molecular Genetics and Genomics, ARUP Laboratories
Classification: Benign. Last evaluated: 2024-09-23. Review status: criteria provided, single submitter. Criteria: ARUP Molecular Germline Variant Investigation Process 2024. Collection method: clinical testing. Allele origin: germline.

Illumina Laboratory Services, Illumina
Classification: Benign for Hepatic methionine adenosyltransferase deficiency. Last evaluated: 2018-01-13. Review status: criteria provided, single submitter. Criteria: ICSL Variant Classification Criteria 13 December 2019. Collection method: clinical testing. Allele origin: germline.
Comment: This variant was observed in the ICSL laboratory as part of a predisposition screen in an ostensibly healthy population. It had not been previously curated by ICSL or reported in the Human Gene Mutation Database (HGMD: prior to June 1st, 2018), and was therefore a candidate for classification through an automated scoring system. Utilizing variant allele frequency, disease prevalence and penetrance estimates, and inheritance mode, an automated score was calculated to assess if this variant is too frequent to cause the disease. Based on the score and internal cut-off values, a variant classified as benign is not then subjected to further curation. The score for this variant resulted in a classification of benign for this disease.

Breakthrough Genomics
Classification: Benign. Review status: criteria provided, single submitter. Criteria: ACMG Guidelines, 2015. Collection method: not provided. Allele origin: germline. Inheritance: Autosomal dominant inheritance. Affected: yes.